The following is an entry in ClinVar:

ClinVar aggregate classification (germline): Benign (0 of 4 stars; one submission).

Conditions:
HCRTR2-related disorder. Also called: HCRTR2-related condition.

Allele frequency attached by ClinVar (database versions not stated): gnomAD exomes 0.80852; ESP Exome Variant Server 0.82439; gnomAD 0.84260; TOPMed 0.84873; 1000 Genomes Project 30x 0.87758; 1000 Genomes Project 0.87879.
gnomAD v4.1: 1,311,124 of 1,613,552 alleles (81%); highest among the groups gnomAD compares: East Asian, 95%; 534,525 homozygotes.

Submission:

PreventionGenetics, part of Exact Sciences
Classification: Benign for HCRTR2-related condition. Last evaluated: 2019-10-16. Review status: no assertion criteria provided. Collection method: clinical testing. Allele origin: germline.
Comment: This variant is classified as benign based on ACMG/AMP sequence variant interpretation guidelines (Richards et al. 2015 PMID: 25741868, with internal and published modifications).

NM_001384272.1(HCRTR2):c.922A>G (p.Ile308Val)

Gene: HCRTR2 (hypocretin receptor 2; plus strand). Cytogenetic location: 6p12.1.
Variant type: single nucleotide variant.
Coding change: c.922A>G on transcript NM_001384272.1 (MANE Select); coding-DNA position 922, A replaced by G.
Protein change: p.Ile308Val; replaces isoleucine 308 with valine.
Molecular consequence: missense variant.
Genome position (GRCh38, 1-based): chr6:55,277,539, A>G. VCF-style: chr6-55277539-A-G. GRCh37 (hg19) VCF-style: chr6-55142337-A-G.
Other names: c.922A>G, p.Ile308Val (NM_001526.5); short protein forms I308V.
Identifiers: ClinVar variation 3059587 (VCV003059587.2), dbSNP rs2653349, ClinGen allele CA3863621.